The following is an entry in ClinVar:

NM_000719.7(CACNA1C):c.5487_5501dup (p.Gln1833_Asp1834insGluGluThrSerGln)

Genes: CACNA1C (calcium voltage-gated channel subunit alpha1 C; plus strand), CACNA1C-AS1 (CACNA1C antisense RNA 1; minus strand). Cytogenetic location: 12p13.33.
Variant type: Duplication.
Coding change: c.5487_5501dup on transcript NM_000719.7 (MANE Select); coding-DNA positions 5487 to 5501, 15 bases duplicated (GGAGACGTCTCAGGA).
Protein change: p.Gln1833_Asp1834insGluGluThrSerGln.
Genome position (GRCh38, 1-based): chr12:2,682,592-2,682,606, GGAGACGTCTCAGGA duplicated; duplicating any 15 consecutive bases within chr12:2,682,586-2,682,606 gives the same sequence; the c. name uses the placement nearest the transcript's 3' end. VCF-style (leftmost placement, unchanged base first): chr12-2682585-G-GTCAGGAGGAGACGTC. GRCh37 (hg19) VCF-style: chr12-2791751-G-GTCAGGAGGAGACGTC.
Other names: c.5631_5645dup, p.Gln1881_Asp1882insGluGluThrSerGln (NM_001129827.2); c.5610_5624dup, p.Gln1874_Asp1875insGluGluThrSerGln (NM_001129829.2); c.5592_5606dup, p.Gln1868_Asp1869insGluGluThrSerGln (NM_001129830.3, NM_001167624.3); c.5571_5585dup, p.Gln1861_Asp1862insGluGluThrSerGln (NM_001129831.2); c.5547_5561dup, p.Gln1853_Asp1854insGluGluThrSerGln (NM_001129832.2); c.5544_5558dup, p.Gln1852_Asp1853insGluGluThrSerGln (NM_001129833.2, NM_001129834.2, NM_001129835.2); c.5538_5552dup, p.Gln1850_Asp1851insGluGluThrSerGln (NM_001129836.2); c.5511_5525dup, p.Gln1841_Asp1842insGluGluThrSerGln (NM_001129837.2, NM_001129838.2); and 6 more.
Identifiers: ClinVar variation 3721107 (VCV003721107.3).

ClinVar aggregate classification (germline): Uncertain significance. Review status: criteria provided, multiple submitters, no conflicts (2 of 4 stars). 2 submissions from 2 submitters: Uncertain significance (2). Last evaluated 2025-02-16.

Conditions:
CACNA1C-related disorder. Also called: CACNA1C-related condition; CACNA1C-related disorders. Identifiers: MedGen CN381092, MONDO:0700321.
Long QT syndrome (LQTS). Identifiers: MedGen C0023976, MeSH D008133, MONDO:0002442. Disease mechanism: loss of function. Inheritance: Various modes of inheritance.

Submissions (2):

3billion
Classification: Uncertain significance for CACNA1C-related disorder. Last evaluated: 2025-02-16. Review status: criteria provided, single submitter. Criteria: ACMG Guidelines, 2015. Collection method: clinical testing. Allele origin: germline. Affected: yes.
Comment: The variant is observed at an extremely low frequency in the gnomAD v4.1.0 dataset (total allele frequency: <0.001%). Predicted Consequence/Location: Inframe insertion located in a nonrepeat region: predicted to change the length of the protein and disrupt normal protein function. The variant has been reported to be associated with CACNA1C-related disorder (PMID: 20817017). Therefore, this variant is classified as VUS according to the recommendation of ACMG/AMP guideline.

Labcorp Genetics (formerly Invitae), Labcorp
Classification: Uncertain significance for Long QT syndrome. Last evaluated: 2024-11-18. Review status: criteria provided, single submitter. Criteria: Invitae Variant Classification Sherloc (09022015). Collection method: clinical testing. Allele origin: germline.
Comment: This variant, c.5487_5501dup, results in the insertion of 5 amino acid(s) of the CACNA1C protein (p.Glu1829_Gln1833dup), but otherwise preserves the integrity of the reading frame. This variant is not present in population databases (gnomAD no frequency). This variant has been observed in individual(s) with Brugada syndrome (PMID: 20817017). Algorithms developed to predict the effect of variants on gene product structure and function are not available or were not evaluated for this variant. Experimental studies have shown that this variant affects CACNA1C function (PMID: 20817017). In summary, the available evidence is currently insufficient to determine the role of this variant in disease. Therefore, it has been classified as a Variant of Uncertain Significance.

Literature cited by the submitters: PubMed 20817017 (cited by 3billion and Labcorp Genetics (formerly Invitae), Labcorp).